The following is an entry in ClinVar:

NM_000432.4(MYL2):c.42C>G (p.Asn14Lys)

Genes: MYL2 (myosin light chain 2; minus strand), LOC114827850 (VISTA enhancer hs2149; plus strand). Cytogenetic location: 12q24.11.
Variant type: single nucleotide variant.
Coding change: c.42C>G on transcript NM_000432.4 (MANE Select); coding-DNA position 42, C replaced by G.
Protein change: p.Asn14Lys; replaces asparagine 14 with lysine.
Molecular consequence: missense variant. On other transcripts: 5 prime UTR variant (1).
Genome position (GRCh38, 1-based): chr12:110,919,155, G>C on the plus strand (C>G on the coding strand, the complement: MYL2 is on the minus strand). VCF-style: chr12-110919155-G-C. GRCh37 (hg19) VCF-style: chr12-111356959-G-C.
Other names: c.42C>G, p.Asn14Lys (NM_001406745.1); c.-16C>G (NM_001406916.1); short protein forms N14K.
Identifiers: ClinVar variation 3297570 (VCV003297570.1).

ClinVar aggregate classification (germline): Uncertain significance (1 of 4 stars; one submission).

Conditions:
Cardiovascular phenotype. Identifiers: MedGen CN230736.

Submission:

Ambry Genetics
Classification: Uncertain significance for Cardiovascular phenotype. Last evaluated: 2024-06-07. Review status: criteria provided, single submitter. Criteria: Ambry Variant Classification Scheme 2023. Collection method: clinical testing. Allele origin: germline.
Comment: The p.N14K variant (also known as c.42C>G), located in coding exon 2 of the MYL2 gene, results from a C to G substitution at nucleotide position 42. The asparagine at codon 14 is replaced by lysine, an amino acid with similar properties. This amino acid position is conserved. In addition, this alteration is predicted to be tolerated by in silico analysis. Based on the available evidence, the clinical significance of this variant remains unclear.